The following is an entry in ClinVar:

NM_003922.4(HERC1):c.11638C>T (p.His3880Tyr)

Gene: HERC1 (HECT and RLD domain containing E3 ubiquitin protein ligase family member 1; minus strand). Cytogenetic location: 15q22.31.
Variant type: single nucleotide variant.
Coding change: c.11638C>T on transcript NM_003922.4 (MANE Select); coding-DNA position 11638, C replaced by T.
Protein change: p.His3880Tyr; replaces histidine 3880 with tyrosine.
Molecular consequence: missense variant.
Genome position (GRCh38, 1-based): chr15:63,640,415, G>A on the plus strand (C>T on the coding strand, the complement: HERC1 is on the minus strand). VCF-style: chr15-63640415-G-A. GRCh37 (hg19) VCF-style: chr15-63932614-G-A.
Other names: short protein forms H3880Y.
Identifiers: ClinVar variation 3364642 (VCV003364642.2).
Genomic context (GRCh38, chr15:63,640,415, plus strand): 5'-ACAGCTGATCCAGATGAAGTCCCACAGCAAGGGAAGCCAAGCATTGCATATAGGGGCTAT[G>A]AACAAGTTGGTCACCACAAACCACATGAGGCTAAAACAAAATACAAGGATATAATATGTC-3'
Protein context (NP_003913.3, residues 3870-3890): PHVVCGDQLV[His3880Tyr]SPYMQCLASL

ClinVar aggregate classification (germline): Uncertain significance. Review status: criteria provided, multiple submitters, no conflicts (2 of 4 stars). 2 submissions from 2 submitters: Uncertain significance (2). Last evaluated 2025-06-18.

Conditions:
Inborn genetic diseases. Identifiers: MedGen C0950123, MeSH D030342.

gnomAD v4.1: 56 of 1,613,572 alleles (0.0035%); highest among the groups gnomAD compares: Non-Finnish European, 0.0046%; no homozygotes.

Submissions (2):

Ambry Genetics
Classification: Uncertain significance for Inborn genetic diseases. Last evaluated: 2025-06-18. Review status: criteria provided, single submitter. Criteria: Ambry Variant Classification Scheme 2023. Collection method: clinical testing. Allele origin: germline.

GeneDx
Classification: Uncertain significance. Last evaluated: 2023-11-25. Review status: criteria provided, single submitter. Criteria: GeneDx Variant Classification Process June 2021. Collection method: clinical testing. Allele origin: germline. Affected: yes.
Comment: Not observed at significant frequency in large population cohorts (gnomAD); In silico analysis supports that this missense variant has a deleterious effect on protein structure/function; Has not been previously published as pathogenic or benign to our knowledge